The following is an entry in ClinVar:

NM_207037.2(TCF12):c.798_800dup (p.Gly267_Asn268insGly)

Gene: TCF12 (transcription factor 12; plus strand). Cytogenetic location: 15q21.3.
Variant type: Duplication.
Coding change: c.798_800dup on transcript NM_207037.2 (MANE Select); coding-DNA positions 798 to 800, 3 bases duplicated (TGG; older notation c.798_800dupTGG).
Protein change: p.Gly267_Asn268insGly.
Molecular consequence: inframe insertion. On other transcripts: intron variant (1).
Genome position (GRCh38, 1-based): chr15:57,232,403-57,232,405, TGG duplicated. VCF-style (leftmost placement, unchanged base first): chr15-57232402-A-ATGG. GRCh37 (hg19) VCF-style: chr15-57524600-A-ATGG.
Other names: c.288_290dup, p.Gly97_Asn98insGly (NM_001306219.3, NM_207040.2); c.798_800dup, p.Gly267_Asn268insGly (NM_001322151.2, NM_001322152.2, NM_001322157.3 and 7 more transcripts); c.141_143dup, p.Gly48_Asn49insGly (NM_001322154.2); c.624_626dup, p.Gly209_Asn210insGly (NM_001322156.2, NM_001322158.2); c.834_836dup, p.Gly279_Asn280insGly (NM_001322164.2); c.118-309_118-307dup (NM_001306220.3).
Identifiers: ClinVar variation 3368131 (VCV003368131.2).

ClinVar aggregate classification (germline): Uncertain significance (1 of 4 stars; one submission).

Submission:

GeneDx
Classification: Uncertain significance. Last evaluated: 2026-04-06. Review status: criteria provided, single submitter. Criteria: GeneDx Variant Classification Process June 2021. Collection method: clinical testing. Allele origin: germline.
Comment: Not observed at significant frequency in large population cohorts (gnomAD); In-frame duplication of 1 amino acids in a non-repeat region; Has not been previously published as pathogenic or benign to our knowledge